The following is an entry in ClinVar:

NM_001373.1:c.1004A>T

Gene: DNAH14 (dynein axonemal heavy chain 14; plus strand).
Variant type: single nucleotide variant.
Identifiers: ClinVar variation 4755793 (VCV004755793.1).

ClinVar aggregate classification (germline): Uncertain significance (1 of 4 stars; one submission).

Submission:

GeneDx
Classification: Uncertain significance. Last evaluated: 2025-08-04. Review status: criteria provided, single submitter. Criteria: GeneDx Variant Classification Process June 2021. Collection method: clinical testing. Allele origin: germline. Affected: yes.
Comment: Not observed at significant frequency in large population cohorts (gnomAD); In silico analysis supports that this missense variant has a deleterious effect on protein structure/function; Has not been previously published as pathogenic or benign to our knowledge